The following is an entry in ClinVar:

ClinVar aggregate classification (germline): Uncertain significance (1 of 4 stars; one submission).

gnomAD v4.1: 1 of 1,614,218 alleles (0.000062%); highest among the groups gnomAD compares: East Asian, 0.0022%; no homozygotes.

Submission:

CeGaT Center for Human Genetics Tuebingen
Classification: Uncertain significance. Last evaluated: 2026-02-01. Review status: criteria provided, single submitter. Criteria: CeGaT Center For Human Genetics Tuebingen Variant Classification Criteria Version 2. Collection method: clinical testing. Allele origin: germline. Affected: yes. Observed: 1 variant allele.
Comment: TAOK1: PP2

NM_020791.4(TAOK1):c.1133A>C (p.Lys378Thr)

Gene: TAOK1 (TAO kinase 1; plus strand). Cytogenetic location: 17q11.2.
Variant type: single nucleotide variant.
Coding change: c.1133A>C on transcript NM_020791.4 (MANE Select); coding-DNA position 1133, A replaced by C.
Protein change: p.Lys378Thr; replaces lysine 378 with threonine.
Molecular consequence: missense variant.
Genome position (GRCh38, 1-based): chr17:29,498,451, A>C. VCF-style: chr17-29498451-A-C. GRCh37 (hg19) VCF-style: chr17-27825469-A-C.
Other names: c.1133A>C, p.Lys378Thr (NM_025142.1); short protein forms K378T.
Identifiers: ClinVar variation 4823211 (VCV004823211.4).